The following is an entry in ClinVar:

NM_147127.5(EVC2):c.1346G>A (p.Arg449Gln)

Genes: EVC2 (EvC ciliary complex subunit 2; minus strand), LOC126806961 (BRD4-independent group 4 enhancer GRCh37_chr4:5641443-5642642; plus strand). Cytogenetic location: 4p16.2.
Variant type: single nucleotide variant.
Coding change: c.1346G>A on transcript NM_147127.5 (MANE Select); coding-DNA position 1346, G replaced by A.
Protein change: p.Arg449Gln; replaces arginine 449 with glutamine.
Molecular consequence: missense variant.
Genome position (GRCh38, 1-based): chr4:5,640,638, C>T on the plus strand (G>A on the coding strand, the complement: EVC2 is on the minus strand). VCF-style: chr4-5640638-C-T. GRCh37 (hg19) VCF-style: chr4-5642365-C-T.
Other names: c.1106G>A, p.Arg369Gln (NM_001166136.2); short protein forms R449Q, R369Q.
Identifiers: ClinVar variation 349086 (VCV000349086.7), dbSNP rs774976776, ClinGen allele CA2835087.

ClinVar aggregate classification (germline): Uncertain significance. Review status: criteria provided, multiple submitters, no conflicts (2 of 4 stars). 3 submissions from 3 submitters: Uncertain significance (3). Last evaluated 2026-01-04.

Conditions:
Ellis-van Creveld syndrome (EVC). Also called: EVC-Related Ellis-van Creveld Syndrome; EVC2-Related Ellis-van Creveld Syndrome; MESOECTODERMAL DYSPLASIA; Chondroectodermal dysplasia. Identifiers: Orphanet 289, MedGen C0013903, MONDO:0009162, OMIM 225500.
Curry-Hall syndrome (WAD). Also called: WEYERS ACRODENTAL DYSOSTOSIS. Identifiers: Orphanet 952, MedGen C0457013, MONDO:0008673, OMIM 193530.

Allele frequency attached by ClinVar (database versions not stated): gnomAD 0.00001 and 0.00002; gnomAD exomes 0.00005 and 0.00013; TOPMed 0.00005; ExAC 0.00007.
gnomAD v4.1: 182 of 1,613,964 alleles (0.011%); highest among the groups gnomAD compares: Non-Finnish European, 0.015%; no homozygotes.

Submissions (3):

Labcorp Genetics (formerly Invitae), Labcorp
Classification: Uncertain significance for Curry-Hall syndrome; Ellis-van Creveld syndrome. Last evaluated: 2026-01-04. Review status: criteria provided, single submitter. Criteria: Invitae Variant Classification Sherloc (09022015). Collection method: clinical testing. Allele origin: germline.
Comment: This sequence change replaces arginine, which is basic and polar, with glutamine, which is neutral and polar, at codon 449 of the EVC2 protein (p.Arg449Gln). This variant is present in population databases (rs774976776, gnomAD 0.02%). This variant has not been reported in the literature in individuals affected with EVC2-related conditions. ClinVar contains an entry for this variant (Variation ID: 349086). An algorithm developed to predict the effect of missense changes on protein structure and function (PolyPhen-2) suggests that this variant is likely to be disruptive. In summary, the available evidence is currently insufficient to determine the role of this variant in disease. Therefore, it has been classified as a Variant of Uncertain Significance.

GeneDx
Classification: Uncertain significance. Last evaluated: 2024-11-07. Review status: criteria provided, single submitter. Criteria: GeneDx Variant Classification Process June 2021. Collection method: clinical testing. Allele origin: germline. Affected: yes.
Comment: Has not been previously published as pathogenic or benign to our knowledge; In silico analysis indicates that this missense variant does not alter protein structure/function

Illumina Laboratory Services, Illumina
Classification: Uncertain significance for Ellis-van Creveld syndrome. Last evaluated: 2018-01-12. Review status: criteria provided, single submitter. Criteria: ICSL Variant Classification Criteria 13 December 2019. Collection method: clinical testing. Allele origin: germline.